The following is an entry in ClinVar:

ClinVar aggregate classification (germline): Uncertain significance (1 of 4 stars; one submission).

gnomAD v4.1: 14 of 1,592,250 alleles (0.00088%); highest among the groups gnomAD compares: Non-Finnish European, 0.0012%; 1 homozygote.

Submission:

Labcorp Genetics (formerly Invitae), Labcorp
Classification: Uncertain significance. Last evaluated: 2024-10-03. Review status: criteria provided, single submitter. Criteria: Invitae Variant Classification Sherloc (09022015). Collection method: clinical testing. Allele origin: germline.
Comment: This sequence change replaces serine, which is neutral and polar, with threonine, which is neutral and polar, at codon 452 of the CFH protein (p.Ser452Thr). This variant is not present in population databases (gnomAD no frequency). This variant has not been reported in the literature in individuals affected with CFH-related conditions. An algorithm developed to predict the effect of missense changes on protein structure and function (PolyPhen-2) suggests that this variant is likely to be tolerated. In summary, the available evidence is currently insufficient to determine the role of this variant in disease. Therefore, it has been classified as a Variant of Uncertain Significance.

NM_000186.4(CFH):c.1355G>C (p.Ser452Thr)

Gene: CFH (complement factor H; plus strand). Cytogenetic location: 1q31.3.
Variant type: single nucleotide variant.
Coding change: c.1355G>C on transcript NM_000186.4 (MANE Select); coding-DNA position 1355, G replaced by C.
Protein change: p.Ser452Thr; replaces serine 452 with threonine.
Molecular consequence: missense variant.
Genome position (GRCh38, 1-based): chr1:196,713,753, G>C. VCF-style: chr1-196713753-G-C. GRCh37 (hg19) VCF-style: chr1-196682883-G-C.
Other names: short protein forms S452T.
Identifiers: ClinVar variation 3697262 (VCV003697262.2).
Genomic context (GRCh38, chr1:196,713,753, plus strand): 5'-TTGATCATATGCTTGTCTTTTTCTTATTCTCTTCCCTTTTAGAAACATGTTCCAAATCAA[G>C]TATAGATATTGAGAATGGGTTTATTTCTGAATCTCAGTATACATATGCCTTAAAAGAAAA-3'
Protein context (NP_000177.2, residues 442-462): CIRVKTCSKS[Ser452Thr]IDIENGFISE